The following is an entry in ClinVar:

NM_005391.5(PDK3):c.1217del (p.Gln406fs)

Gene: PDK3 (pyruvate dehydrogenase kinase 3; plus strand). Cytogenetic location: Xp22.11.
Variant type: Deletion.
Coding change: c.1217del on transcript NM_005391.5 (MANE Select); coding-DNA position 1217, one base deleted (A; older notation c.1217delA).
Protein change: p.Gln406fs; shifts the reading frame from glutamine 406.
Molecular consequence: frameshift variant.
Genome position (GRCh38, 1-based): chrX:24,534,068, A deleted. VCF-style (leftmost placement, unchanged base first): chrX-24534067-CA-C. GRCh37 (hg19) VCF-style: chrX-24552184-CA-C.
Other names: c.1217delA, p.Asp407fs (NM_001142386.3); short protein forms D407fs, Q406fs.
Identifiers: ClinVar variation 2178725 (VCV002178725.4), dbSNP rs755984281, ClinGen allele CA10372410.

ClinVar aggregate classification (germline): Uncertain significance (1 of 4 stars; one submission).

Conditions:
Charcot-Marie-Tooth disease X-linked dominant 6. Also called: CHARCOT-MARIE-TOOTH NEUROPATHY, X-LINKED DOMINANT, 6. Identifiers: Orphanet 352675, MedGen C3806702, MONDO:0010479, OMIM 300905.

Allele frequency attached by ClinVar (database versions not stated): gnomAD exomes below 0.00001; TOPMed below 0.00001; gnomAD 0.00001; ExAC 0.00003.

Submission:

Labcorp Genetics (formerly Invitae), Labcorp
Classification: Uncertain significance for Charcot-Marie-Tooth disease X-linked dominant 6. Last evaluated: 2024-05-22. Review status: criteria provided, single submitter. Criteria: Invitae Variant Classification Sherloc (09022015). Collection method: clinical testing. Allele origin: germline.
Comment: This sequence change results in a frameshift in the PDK3 gene (p.Asp407Thrfs*49). While this is not anticipated to result in nonsense mediated decay, it is expected to disrupt the last 9 amino acid(s) of the PDK3 protein and extend the protein by 39 additional amino acid residues. This variant is present in population databases (rs755984281, gnomAD 0.008%), including at least one homozygous and/or hemizygous individual. This variant has not been reported in the literature in individuals affected with PDK3-related conditions. ClinVar contains an entry for this variant (Variation ID: 2178725). Algorithms developed to predict the effect of sequence changes on RNA splicing suggest that this variant may disrupt the consensus splice site. In summary, the available evidence is currently insufficient to determine the role of this variant in disease. Therefore, it has been classified as a Variant of Uncertain Significance.